The following is an entry in ClinVar:

ClinVar aggregate classification (germline): Uncertain significance. Review status: criteria provided, multiple submitters, no conflicts (2 of 4 stars). 2 submissions from 2 submitters: Uncertain significance (2). Last evaluated 2024-04-06.

Conditions:
Hereditary cancer-predisposing syndrome. Also called: Neoplastic Syndromes, Hereditary; Hereditary neoplastic syndrome; Tumor predisposition; Hereditary Cancer Syndrome. Identifiers: Orphanet 140162, MedGen C0027672, MeSH D009386, MONDO:0015356.

Submissions (2):

Labcorp Genetics (formerly Invitae), Labcorp
Classification: Uncertain significance. Last evaluated: 2024-04-06. Review status: criteria provided, single submitter. Criteria: Invitae Variant Classification Sherloc (09022015). Collection method: clinical testing. Allele origin: germline.
Comment: This sequence change replaces alanine, which is neutral and non-polar, with aspartic acid, which is acidic and polar, at codon 2213 of the POLE protein (p.Ala2213Asp). This variant is not present in population databases (gnomAD no frequency). This variant has not been reported in the literature in individuals affected with POLE-related conditions. ClinVar contains an entry for this variant (Variation ID: 2496843). Advanced modeling of protein sequence and biophysical properties (such as structural, functional, and spatial information, amino acid conservation, physicochemical variation, residue mobility, and thermodynamic stability) performed at Invitae indicates that this missense variant is not expected to disrupt POLE protein function with a negative predictive value of 80%. In summary, the available evidence is currently insufficient to determine the role of this variant in disease. Therefore, it has been classified as a Variant of Uncertain Significance.

Ambry Genetics
Classification: Uncertain significance for Hereditary cancer-predisposing syndrome. Last evaluated: 2022-12-14. Review status: criteria provided, single submitter. Criteria: Ambry Variant Classification Scheme 2023. Collection method: clinical testing. Allele origin: germline.
Comment: The p.A2213D variant (also known as c.6638C>A), located in coding exon 47 of the POLE gene, results from a C to A substitution at nucleotide position 6638. The alanine at codon 2213 is replaced by aspartic acid, an amino acid with dissimilar properties. This amino acid position is conserved. In addition, the in silico prediction for this alteration is inconclusive. Since supporting evidence is limited at this time, the clinical significance of this alteration remains unclear.

NM_006231.4(POLE):c.6638C>A (p.Ala2213Asp)

Gene: POLE (DNA polymerase epsilon, catalytic subunit; minus strand). Cytogenetic location: 12q24.33.
Variant type: single nucleotide variant.
Coding change: c.6638C>A on transcript NM_006231.4 (MANE Select); coding-DNA position 6638, C replaced by A.
Protein change: p.Ala2213Asp; replaces alanine 2213 with aspartic acid.
Molecular consequence: missense variant.
Genome position (GRCh38, 1-based): chr12:132,625,664, G>T on the plus strand (C>A on the coding strand, the complement: POLE is on the minus strand). VCF-style: chr12-132625664-G-T. GRCh37 (hg19) VCF-style: chr12-133202250-G-T.
Other names: short protein forms A2213D.
Identifiers: ClinVar variation 2496843 (VCV002496843.4), dbSNP rs2541836945, ClinGen allele CA387366468.